The following is an entry in ClinVar:

ClinVar aggregate classification (germline): Uncertain significance (1 of 4 stars; one submission).

Submission:

Ambry Genetics
Classification: Uncertain significance. Last evaluated: 2023-11-03. Review status: criteria provided, single submitter. Criteria: Ambry Variant Classification Scheme 2023. Collection method: clinical testing. Allele origin: germline.
Comment: The p.K619T variant (also known as c.1856A>C), located in coding exon 12 of the RINT1 gene, results from an A to C substitution at nucleotide position 1856. The lysine at codon 619 is replaced by threonine, an amino acid with similar properties. This amino acid position is conserved. In addition, this alteration is predicted to be tolerated by in silico analysis. Since supporting evidence is limited at this time, the clinical significance of this alteration remains unclear.

NM_021930.6(RINT1):c.1856A>C (p.Lys619Thr)

Gene: RINT1 (RAD50 interactor 1; plus strand). Cytogenetic location: 7q22.3.
Variant type: single nucleotide variant.
Coding change: c.1856A>C on transcript NM_021930.6 (MANE Select); coding-DNA position 1856, A replaced by C.
Protein change: p.Lys619Thr; replaces lysine 619 with threonine.
Molecular consequence: missense variant. On other transcripts: non-coding transcript variant (1).
Genome position (GRCh38, 1-based): chr7:105,563,917, A>C. VCF-style: chr7-105563917-A-C. GRCh37 (hg19) VCF-style: chr7-105204364-A-C.
Other names: c.1622A>C, p.Lys541Thr (NM_001346599.2); c.833A>C, p.Lys278Thr (NM_001346600.2, NM_001346603.2); c.932A>C, p.Lys311Thr (NM_001346601.2); short protein forms K278T, K311T, K541T, K619T.
Identifiers: ClinVar variation 3227618 (VCV003227618.1), dbSNP rs2485176470, ClinGen allele CA368814216.